The following is an entry in ClinVar:

ClinVar aggregate classification (germline): Uncertain significance (1 of 4 stars; one submission).

Conditions:
Hereditary cancer-predisposing syndrome. Also called: Neoplastic Syndromes, Hereditary; Tumor predisposition; Hereditary neoplastic syndrome; Hereditary Cancer Syndrome. Identifiers: Orphanet 140162, MedGen C0027672, MeSH D009386, MONDO:0015356.

Submission:

Color Diagnostics, LLC DBA Color Health
Classification: Uncertain significance for Hereditary cancer-predisposing syndrome. Last evaluated: 2023-12-04. Review status: criteria provided, single submitter. Criteria: ACMG Guidelines, 2015. Collection method: clinical testing. Allele origin: germline.
Comment: This missense variant replaces leucine with phenylalanine at codon 478 of the APC protein. Computational prediction is inconclusive regarding the impact of this variant on protein structure and function (internally defined REVEL score threshold 0.5 < inconclusive < 0.7, PMID: 27666373). To our knowledge, functional studies have not been reported for this variant. This variant has not been reported in individuals affected with APC-related disorders in the literature. This variant has not been identified in the general population by the Genome Aggregation Database (gnomAD). The available evidence is insufficient to determine the role of this variant in disease conclusively. Therefore, this variant is classified as a Variant of Uncertain Significance.

NM_000038.6(APC):c.1434A>C (p.Leu478Phe)

Gene: APC (APC regulator of Wnt signaling pathway; plus strand). Cytogenetic location: 5q22.2.
Variant type: single nucleotide variant.
Coding change: c.1434A>C on transcript NM_000038.6 (MANE Select); coding-DNA position 1434, A replaced by C.
Protein change: p.Leu478Phe; replaces leucine 478 with phenylalanine.
Molecular consequence: missense variant.
Genome position (GRCh38, 1-based): chr5:112,827,133, A>C. VCF-style: chr5-112827133-A-C. GRCh37 (hg19) VCF-style: chr5-112162830-A-C.
Other names: c.1434A>C, p.Leu478Phe (NM_001127510.3, NM_001354895.2); c.1488A>C, p.Leu496Phe (NM_001354896.2); c.1464A>C, p.Leu488Phe (NM_001354897.2); c.1380A>C, p.Leu460Phe (NM_001127511.3); c.1359A>C, p.Leu453Phe (NM_001354898.2); c.1350A>C, p.Leu450Phe (NM_001354899.2); c.1311A>C, p.Leu437Phe (NM_001354900.2); c.1257A>C, p.Leu419Phe (NM_001354901.2); and 5 more; short protein forms L478F, L460F, L195F, L318F, L352F, L377F, L387F, L419F.
Identifiers: ClinVar variation 628952 (VCV000628952.5), dbSNP rs1561553567, ClinGen allele CA16024444.
Genomic context (GRCh38, chr5:112,827,133, plus strand): 5'-TGATTGTCTTTTTCCTCTTGCCCTTTTTAAATTAGGGGGACTACAGGCCATTGCAGAATT[A>C]TTGCAAGTGGACTGTGAAATGTATGGGCTTACTAATGACCACTACAGTATTACACTAAGA-3'
Protein context (NP_000029.2, residues 468-488): ELGGLQAIAE[Leu478Phe]LQVDCEMYGL